The following is an entry in ClinVar:

NM_199242.3(UNC13D):c.154-1G>T

Gene: UNC13D (unc-13 homolog D; minus strand). Cytogenetic location: 17q25.1.
Variant type: single nucleotide variant.
Coding change: c.154-1G>T on transcript NM_199242.3 (MANE Select); the canonical splice acceptor site of the intron before coding-DNA position 154, G replaced by T.
Molecular consequence: splice acceptor variant.
Genome position (GRCh38, 1-based): chr17:75,843,267, C>A on the plus strand (G>T on the coding strand, the complement: UNC13D is on the minus strand). VCF-style: chr17-75843267-C-A. GRCh37 (hg19) VCF-style: chr17-73839348-C-A.
Identifiers: ClinVar variation 2854561 (VCV002854561.3), dbSNP rs2545988159, ClinGen allele CA401117800.

ClinVar aggregate classification (germline): Likely pathogenic (1 of 4 stars; one submission).

Conditions:
Familial hemophagocytic lymphohistiocytosis 3 (FHL3). Also called: UNC13D-Related Familial Hemophagocytic Lymphohistiocytosis (UNC13D-fHLH). Identifiers: Orphanet 540, MedGen C1837174, MONDO:0012146, OMIM 608898.

Submission:

Labcorp Genetics (formerly Invitae), Labcorp
Classification: Likely pathogenic for Familial hemophagocytic lymphohistiocytosis 3. Last evaluated: 2023-04-10. Review status: criteria provided, single submitter. Criteria: Invitae Variant Classification Sherloc (09022015). Collection method: clinical testing. Allele origin: germline.
Comment: In summary, the currently available evidence indicates that the variant is pathogenic, but additional data are needed to prove that conclusively. Therefore, this variant has been classified as Likely Pathogenic. Algorithms developed to predict the effect of sequence changes on RNA splicing suggest that this variant may disrupt the consensus splice site. Disruption of this splice site has been observed in individual(s) with clinical features of hemophagocytic lymphohistiocytosis (PMID: 32542393). This variant is not present in population databases (gnomAD no frequency). This sequence change affects an acceptor splice site in intron 2 of the UNC13D gene. It is expected to disrupt RNA splicing. Variants that disrupt the donor or acceptor splice site typically lead to a loss of protein function (PMID: 16199547), and loss-of-function variants in UNC13D are known to be pathogenic (PMID: 14622600).

Literature cited by the submitters: PubMed 32542393; PubMed 16199547; PubMed 14622600.